The following is an entry in ClinVar:

ClinVar aggregate classification (germline): Likely benign. Review status: criteria provided, multiple submitters, no conflicts (2 of 4 stars). 4 submissions from 4 submitters: Likely benign (3). 1 of the submissions does not count toward it. Last evaluated 2025-11-01.

Conditions:
VPS13C-related disorder. Also called: VPS13C-related condition.

Allele frequency attached by ClinVar (database versions not stated): gnomAD 0.00011 and 0.00019; TOPMed 0.00035; 1000 Genomes Project 0.00200; 1000 Genomes Project 30x 0.00203.
gnomAD v4.1: 222 of 1,613,950 alleles (0.014%); highest among the groups gnomAD compares: East Asian, 0.44%; no homozygotes.

Submissions (4):

CeGaT Center for Human Genetics Tuebingen
Classification: Likely benign. Last evaluated: 2025-11-01. Review status: criteria provided, single submitter. Criteria: CeGaT Center For Human Genetics Tuebingen Variant Classification Criteria Version 2. Collection method: clinical testing. Allele origin: germline. Affected: yes. Observed: 1 variant allele.
Comment: VPS13C: BP4

Labcorp Genetics (formerly Invitae), Labcorp
Classification: Likely benign. Last evaluated: 2024-09-08. Review status: criteria provided, single submitter. Criteria: Invitae Variant Classification Sherloc (09022015). Collection method: clinical testing. Allele origin: germline.

Breakthrough Genomics
Classification: Likely benign. Review status: criteria provided, single submitter. Criteria: ACMG Guidelines, 2015. Collection method: not provided. Allele origin: germline. Inheritance: Autosomal recessive inheritance. Affected: yes.

PreventionGenetics, part of Exact Sciences
Classification: Likely benign for VPS13C-related condition. Last evaluated: 2022-05-09. Review status: no assertion criteria provided. Collection method: clinical testing. Allele origin: germline. Not counted in ClinVar's aggregate classification.
Comment: This variant is classified as likely benign based on ACMG/AMP sequence variant interpretation guidelines (Richards et al. 2015 PMID: 25741868, with internal and published modifications).

NM_020821.3(VPS13C):c.6128C>G (p.Ala2043Gly)

Gene: VPS13C (vacuolar protein sorting 13 homolog C; minus strand). Cytogenetic location: 15q22.2.
Variant type: single nucleotide variant.
Coding change: c.6128C>G on transcript NM_020821.3 (MANE Select); coding-DNA position 6128, C replaced by G.
Protein change: p.Ala2043Gly; replaces alanine 2043 with glycine.
Molecular consequence: missense variant.
Genome position (GRCh38, 1-based): chr15:61,929,659, G>C on the plus strand (C>G on the coding strand, the complement: VPS13C is on the minus strand). VCF-style: chr15-61929659-G-C. GRCh37 (hg19) VCF-style: chr15-62221858-G-C.
Other names: c.6128C>G, p.Ala2043Gly (NM_001018088.3); c.5999C>G, p.Ala2000Gly (NM_017684.5, NM_018080.4); short protein forms A2000G, A2043G.
Identifiers: ClinVar variation 732933 (VCV000732933.18), dbSNP rs149882066, ClinGen allele CA7595625.